The following is an entry in ClinVar:

NM_138775.3(ALKBH8):c.219T>G (p.Ala73=)

Gene: ALKBH8 (alkB homolog 8, tRNA methyltransferase; minus strand). Cytogenetic location: 11q22.3.
Variant type: single nucleotide variant.
Coding change: c.219T>G on transcript NM_138775.3 (MANE Select); coding-DNA position 219, T replaced by G.
Protein change: p.Ala73=; no amino-acid change (alanine 73 retained).
Molecular consequence: synonymous variant. On other transcripts: non-coding transcript variant (6).
Genome position (GRCh38, 1-based): chr11:107,556,914, A>C on the plus strand (T>G on the coding strand, the complement: ALKBH8 is on the minus strand). VCF-style: chr11-107556914-A-C. GRCh37 (hg19) VCF-style: chr11-107427640-A-C.
Other names: c.219T>G, p.Ala73= (NM_001301010.3, NM_001378133.1).
Identifiers: ClinVar variation 2642354 (VCV002642354.24), dbSNP rs761662500, ClinGen allele CA6261308.
Genomic context (GRCh38, chr11:107,556,914, plus strand): 5'-AGATTCTTCTGTAGTTCTGTATCTTGCAAATGAGTACGGCTTGTTAGGTGGCATTAAGAG[A>C]GCATCCACCAGTCCACATTTCTCTAAAACCGGGAGCAGCTGGTTCCGACTCACACCATTA-3'
Protein context (NP_620130.2, residues 63-83): PVLEKCGLVD[Ala73=]LLMPPNKPYS

ClinVar aggregate classification (germline): Likely benign (1 of 4 stars; one submission).

Allele frequency attached by ClinVar (database versions not stated): gnomAD exomes below 0.00001; ExAC 0.00001; TOPMed 0.00001; gnomAD 0.00002.
gnomAD v4.1: 8 of 1,612,564 alleles (0.0005%); highest among the groups gnomAD compares: Non-Finnish European, 0.00059%; no homozygotes.

Submission:

CeGaT Center for Human Genetics Tuebingen
Classification: Likely benign. Last evaluated: 2023-03-01. Review status: criteria provided, single submitter. Criteria: CeGaT Center For Human Genetics Tuebingen Variant Classification Criteria Version 2. Collection method: clinical testing. Allele origin: germline. Affected: yes. Observed: 1 variant allele.
Comment: ALKBH8: BP4, BP7